The following is an entry in ClinVar:

ClinVar aggregate classification (germline): Uncertain significance (1 of 4 stars; one submission).

Conditions:
Hereditary hyperekplexia. Identifiers: Orphanet 3197, MedGen C4084968, MONDO:0021022.

gnomAD v4.1: 1 of 1,614,078 alleles (0.000062%); highest among the groups gnomAD compares: Non-Finnish European, 0.000085%; no homozygotes.

Submission:

Labcorp Genetics (formerly Invitae), Labcorp
Classification: Uncertain significance for Hereditary hyperekplexia. Last evaluated: 2025-03-06. Review status: criteria provided, single submitter. Criteria: Invitae Variant Classification Sherloc (09022015). Collection method: clinical testing. Allele origin: germline.
Comment: This sequence change replaces proline, which is neutral and non-polar, with leucine, which is neutral and non-polar, at codon 35 of the GLRA1 protein (p.Pro35Leu). This variant is present in population databases (no rsID available, gnomAD 0.0009%). This variant has not been reported in the literature in individuals affected with GLRA1-related conditions. Invitae Evidence Modeling of protein sequence and biophysical properties (such as structural, functional, and spatial information, amino acid conservation, physicochemical variation, residue mobility, and thermodynamic stability) indicates that this missense variant is not expected to disrupt GLRA1 protein function with a negative predictive value of 95%. In summary, the available evidence is currently insufficient to determine the role of this variant in disease. Therefore, it has been classified as a Variant of Uncertain Significance.

NM_000171.4(GLRA1):c.104C>T (p.Pro35Leu)

Gene: GLRA1 (glycine receptor alpha 1; minus strand). Cytogenetic location: 5q33.1.
Variant type: single nucleotide variant.
Coding change: c.104C>T on transcript NM_000171.4 (MANE Select); coding-DNA position 104, C replaced by T.
Protein change: p.Pro35Leu; replaces proline 35 with leucine.
Molecular consequence: missense variant. On other transcripts: intron variant (1).
Genome position (GRCh38, 1-based): chr5:151,892,391, G>A on the plus strand (C>T on the coding strand, the complement: GLRA1 is on the minus strand). VCF-style: chr5-151892391-G-A. GRCh37 (hg19) VCF-style: chr5-151271952-G-A.
Other names: c.104C>T, p.Pro35Leu (NM_001146040.2); c.-65-5603C>T (NM_001292000.2); short protein forms P35L.
Identifiers: ClinVar variation 3696291 (VCV003696291.2).
Genomic context (GRCh38, chr5:151,892,391, plus strand): 5'-CTGGCATCATATCCGGAGGTTCTCCCCATTAGCTTATCCAGGAAATCCGAGGGTGACATA[G>A]GCTTGGGTGCGGAGCGAGCAGCTTCAGCCTCCTTAGAAGCAGCAAGGCTAAGGAGGAAGA-3'
Protein context (NP_000162.2, residues 25-45): EAEAARSAPK[Pro35Leu]MSPSDFLDKL